The following is an entry in ClinVar:

ClinVar aggregate classification (germline): Uncertain significance (1 of 4 stars; one submission).

Submission:

Labcorp Genetics (formerly Invitae), Labcorp
Classification: Uncertain significance. Last evaluated: 2020-04-29. Review status: criteria provided, single submitter. Criteria: Invitae Variant Classification Sherloc (09022015). Collection method: clinical testing. Allele origin: germline.
Comment: This variant results in a copy number gain of the genomic region encompassing exon(s) 2-22 of the PHEX gene. The 5' boundary is likely confined to intron 1. The 3' end of this event is unknown as it extends beyond the assayed region for this gene and therefore may encompass additional genes. As the precise location of this event is unknown, it may be in tandem or it may be located elsewhere in the genome. This variant has not been reported in the literature in individuals with PHEX-related conditions. Experimental studies and prediction algorithms are not available or were not evaluated, and the functional significance of this variant is currently unknown. In summary, the available evidence is currently insufficient to determine the role of this variant in disease. Therefore, it has been classified as a Variant of Uncertain Significance.

NC_000023.10:g.(?_22056587)_(22292386_?)dup

Genes: CBLL2 (Cbl proto-oncogene like 2; plus strand), PHEX (phosphate regulating endopeptidase X-linked; plus strand). Cytogenetic location: Xp22.11.
Variant type: Duplication.
Identifiers: ClinVar variation 1062413 (VCV001062413.1).